The following is an entry in ClinVar:

ClinVar aggregate classification (germline): Uncertain significance (1 of 4 stars; one submission).

Submission:

CeGaT Center for Human Genetics Tuebingen
Classification: Uncertain significance. Last evaluated: 2025-12-01. Review status: criteria provided, single submitter. Criteria: CeGaT Center For Human Genetics Tuebingen Variant Classification Criteria Version 2. Collection method: clinical testing. Allele origin: germline. Affected: yes. Observed: 1 variant allele.
Comment: POLR2A: PM2, BP4

NM_000937.5(POLR2A):c.4493-8C>T

Gene: POLR2A (RNA polymerase II subunit A; plus strand). Cytogenetic location: 17p13.1.
Variant type: single nucleotide variant.
Coding change: c.4493-8C>T on transcript NM_000937.5 (MANE Select); 8 bases into the intron before coding-DNA position 4493, C replaced by T.
Molecular consequence: intron variant.
Genome position (GRCh38, 1-based): chr17:7,512,469, C>T. VCF-style: chr17-7512469-C-T. GRCh37 (hg19) VCF-style: chr17-7415788-C-T.
Identifiers: ClinVar variation 4681936 (VCV004681936.5).